The following is an entry in ClinVar:

ClinVar aggregate classification (germline): Uncertain significance (1 of 4 stars; one submission).

Conditions:
Multiple endocrine neoplasia, type 2 (MEN2). Identifiers: Orphanet 653, MedGen C4048306, MONDO:0019003. Disease mechanism: gain of function.

gnomAD v4.1: 4 of 1,614,014 alleles (0.00025%); highest among the groups gnomAD compares: Admixed American, 0.0017%; no homozygotes.

Submission:

Labcorp Genetics (formerly Invitae), Labcorp
Classification: Uncertain significance for Multiple endocrine neoplasia, type 2. Last evaluated: 2025-02-10. Review status: criteria provided, single submitter. Criteria: Invitae Variant Classification Sherloc (09022015). Collection method: clinical testing. Allele origin: germline.
Comment: This sequence change replaces alanine, which is neutral and non-polar, with valine, which is neutral and non-polar, at codon 883 of the RET protein (p.Ala883Val). This variant is present in population databases (no rsID available, gnomAD 0.003%). This variant has not been reported in the literature in individuals affected with RET-related conditions. ClinVar contains an entry for this variant (Variation ID: 2893353). An algorithm developed to predict the effect of missense changes on protein structure and function (PolyPhen-2) suggests that this variant is likely to be disruptive. This variant disrupts the p.Ala883 amino acid residue in RET. Other variant(s) that disrupt this residue have been determined to be pathogenic (PMID: 21186952, 25244518, 28323957). This suggests that this residue is clinically significant, and that variants that disrupt this residue are likely to be disease-causing. In summary, the available evidence is currently insufficient to determine the role of this variant in disease. Therefore, it has been classified as a Variant of Uncertain Significance.

Literature cited by the submitters: PubMed 21186952; PubMed 25244518; PubMed 28323957.

NM_020975.6(RET):c.2648C>T (p.Ala883Val)

Gene: RET (ret proto-oncogene; plus strand). Cytogenetic location: 10q11.21.
Variant type: single nucleotide variant.
Coding change: c.2648C>T on transcript NM_020975.6 (MANE Select); coding-DNA position 2648, C replaced by T.
Protein change: p.Ala883Val; replaces alanine 883 with valine.
Molecular consequence: missense variant.
Genome position (GRCh38, 1-based): chr10:43,120,121, C>T. VCF-style: chr10-43120121-C-T. GRCh37 (hg19) VCF-style: chr10-43615569-C-T.
Other names: c.1922C>T, p.Ala641Val (NM_001406777.1, NM_001406778.1, NM_001406775.1 and 1 more transcripts); c.1751C>T, p.Ala584Val (NM_001406779.1, NM_001406780.1, NM_001406781.1 and 1 more transcripts); c.1622C>T, p.Ala541Val (NM_001406783.1, NM_001406786.1); c.1658C>T, p.Ala553Val (NM_001406784.1); c.1631C>T, p.Ala544Val (NM_001406785.1); c.2648C>T, p.Ala883Val (NM_000323.2, NM_001406743.1, NM_001406744.1 and 4 more transcripts); c.1886C>T, p.Ala629Val (NM_001355216.2); c.2519C>T, p.Ala840Val (NM_001406761.1, NM_001406762.1, NM_001406764.1); and 10 more; short protein forms A400V, A539V, A737V, A448V, A541V, A544V, A641V, A751V.
Identifiers: ClinVar variation 2893353 (VCV002893353.2), dbSNP rs1293645997, ClinGen allele CA376557144.